The following is an entry in ClinVar:

NM_001080449.3(DNA2):c.521T>C (p.Phe174Ser)

Gene: DNA2 (DNA replication helicase/nuclease 2; minus strand). Cytogenetic location: 10q21.3.
Variant type: single nucleotide variant.
Coding change: c.521T>C on transcript NM_001080449.3 (MANE Select); coding-DNA position 521, T replaced by C.
Protein change: p.Phe174Ser; replaces phenylalanine 174 with serine.
Molecular consequence: missense variant. On other transcripts: non-coding transcript variant (1).
Genome position (GRCh38, 1-based): chr10:68,465,733, A>G on the plus strand (T>C on the coding strand, the complement: DNA2 is on the minus strand). VCF-style: chr10-68465733-A-G. GRCh37 (hg19) VCF-style: chr10-70225490-A-G.
Other names: short protein forms F174S.
Identifiers: ClinVar variation 3654474 (VCV003654474.2).

ClinVar aggregate classification (germline): Uncertain significance (1 of 4 stars; one submission).

Submission:

Labcorp Genetics (formerly Invitae), Labcorp
Classification: Uncertain significance. Last evaluated: 2024-05-29. Review status: criteria provided, single submitter. Criteria: Invitae Variant Classification Sherloc (09022015). Collection method: clinical testing. Allele origin: germline.
Comment: This sequence change replaces phenylalanine, which is neutral and non-polar, with serine, which is neutral and polar, at codon 174 of the DNA2 protein (p.Phe174Ser). This variant is not present in population databases (gnomAD no frequency). This variant has not been reported in the literature in individuals affected with DNA2-related conditions. Advanced modeling of protein sequence and biophysical properties (such as structural, functional, and spatial information, amino acid conservation, physicochemical variation, residue mobility, and thermodynamic stability) has been performed at Invitae for this missense variant, however the output from this modeling did not meet the statistical confidence thresholds required to predict the impact of this variant on DNA2 protein function. In summary, the available evidence is currently insufficient to determine the role of this variant in disease. Therefore, it has been classified as a Variant of Uncertain Significance.